The following is an entry in ClinVar:

NM_000834.5(GRIN2B):c.3747C>T (p.Gly1249=)

Gene: GRIN2B (glutamate ionotropic receptor NMDA type subunit 2B; minus strand). Cytogenetic location: 12p13.1.
Variant type: single nucleotide variant.
Coding change: c.3747C>T on transcript NM_000834.5 (MANE Select); coding-DNA position 3747, C replaced by T.
Protein change: p.Gly1249=; no amino-acid change (glycine 1249 retained).
Molecular consequence: synonymous variant.
Genome position (GRCh38, 1-based): chr12:13,563,491, G>A on the plus strand (C>T on the coding strand, the complement: GRIN2B is on the minus strand). VCF-style: chr12-13563491-G-A. GRCh37 (hg19) VCF-style: chr12-13716425-G-A.
Other names: p.G1249G:GGC>GGT.
Identifiers: ClinVar variation 205720 (VCV000205720.45), dbSNP rs138771137, ClinGen allele CA315068.
Genomic context (GRCh38, chr12:13,563,491, plus strand): 5'-TGGGGCAGCCGGCTGGTCCAGTTCCTGCAGGGAGTTGTCCTCACTGATGTCATACAGGTT[G>A]CCTGCTTTCTTGCAAGCCTCACACCGGATGCACGCCTGCCTGCCCGAGTTCTGACCCGTC-3'
Protein context (NP_000825.2, residues 1239-1259): CIRCEACKKA[Gly1249=]NLYDISEDNS

ClinVar aggregate classification (germline): Conflicting classifications of pathogenicity. Review status: criteria provided, conflicting classifications (1 of 4 stars). 8 submissions from 8 submitters: Uncertain significance (1); Benign (3); Likely benign (3). 1 of the submissions does not count toward it. Last evaluated 2026-01-12.

Conditions:
GRIN2B-related disorder. Also called: GRIN2B-related condition.
Intellectual developmental disorder, autosomal dominant 6, with or without seizures. Also called: Intellectual disability, autosomal dominant 6; GRIN2B-related developmental delay, intellectual disability and autism spectrum disorder. Identifiers: Orphanet 589547, MedGen C3151411, MONDO:0013509, OMIM 613970.
Developmental and epileptic encephalopathy, 27 (DEE27). Also called: Epileptic encephalopathy, early infantile, 27; GRIN2B-Related Neurodevelopmental Disorder. Identifiers: Orphanet 3451, MedGen C4015316, MONDO:0014505, OMIM 616139.
Inborn genetic diseases. Identifiers: MedGen C0950123, MeSH D030342.

Allele frequency attached by ClinVar (database versions not stated): gnomAD exomes 0.00014; ExAC 0.00015; ESP Exome Variant Server 0.00023; TOPMed 0.00058; gnomAD 0.00063; 1000 Genomes Project 0.00120; 1000 Genomes Project 30x 0.00141.
gnomAD v4.1: 189 of 1,614,152 alleles (0.012%); highest among the groups gnomAD compares: African/African-American, 0.23%; no homozygotes.

Submissions (8):

Labcorp Genetics (formerly Invitae), Labcorp
Classification: Benign for Developmental and epileptic encephalopathy, 27; Intellectual developmental disorder, autosomal dominant 6, with or without seizures. Last evaluated: 2026-01-12. Review status: criteria provided, single submitter. Criteria: Invitae Variant Classification Sherloc (09022015). Collection method: clinical testing. Allele origin: germline.

Blueprint Genetics
Classification: Likely benign. Last evaluated: 2024-07-05. Review status: criteria provided, single submitter. Criteria: ACMG Guidelines, 2015. Collection method: clinical testing. Allele origin: germline.

CeGaT Center for Human Genetics Tuebingen
Classification: Likely benign. Last evaluated: 2024-06-01. Review status: criteria provided, single submitter. Criteria: CeGaT Center For Human Genetics Tuebingen Variant Classification Criteria Version 2. Collection method: clinical testing. Allele origin: germline. Affected: yes. Observed: 1 variant allele.
Comment: GRIN2B: BP4, BP7, BS1

Athena Diagnostics
Classification: Benign. Last evaluated: 2021-03-19. Review status: criteria provided, single submitter. Criteria: Athena Diagnostics criteria. Collection method: clinical testing. Allele origin: unknown.

GeneDx
Classification: Benign. Last evaluated: 2019-06-21. Review status: criteria provided, single submitter. Criteria: GeneDx Variant Classification Process June 2021. Collection method: clinical testing. Allele origin: germline. Affected: yes.

Ambry Genetics
Classification: Likely benign for Inborn genetic diseases. Last evaluated: 2016-10-07. Review status: criteria provided, single submitter. Criteria: Ambry Variant Classification Scheme 2023. Collection method: clinical testing. Allele origin: germline.

Genetic Services Laboratory, University of Chicago
Classification: Uncertain significance. Last evaluated: 2016-02-19. Review status: criteria provided, single submitter. Criteria: ACMG Guidelines, 2015. Collection method: clinical testing. Allele origin: germline. Affected: no.

PreventionGenetics, part of Exact Sciences
Classification: Likely benign for GRIN2B-related condition. Last evaluated: 2020-02-04. Review status: no assertion criteria provided. Collection method: clinical testing. Allele origin: germline. Not counted in ClinVar's aggregate classification.
Comment: This variant is classified as likely benign based on ACMG/AMP sequence variant interpretation guidelines (Richards et al. 2015 PMID: 25741868, with internal and published modifications).